The following is an entry in ClinVar:

ClinVar aggregate classification (germline): Conflicting classifications of pathogenicity. Review status: criteria provided, conflicting classifications (1 of 4 stars). 2 submissions from 2 submitters: Likely pathogenic (1); Uncertain significance (1). Last evaluated 2021-04-13.

Conditions:
Hereditary cancer-predisposing syndrome. Also called: Neoplastic Syndromes, Hereditary; Tumor predisposition; Hereditary Cancer Syndrome; Hereditary neoplastic syndrome. Identifiers: Orphanet 140162, MedGen C0027672, MeSH D009386, MONDO:0015356.
Breast-ovarian cancer, familial, susceptibility to, 4. Identifiers: Orphanet 145, MedGen C3280345, MONDO:0013669, OMIM 614291.

gnomAD v4.1: 1 of 1,556,186 alleles (0.000064%); highest among the groups gnomAD compares: Non-Finnish European, 0.000089%; no homozygotes.

Submissions (2):

Labcorp Genetics (formerly Invitae), Labcorp
Classification: Uncertain significance for Breast-ovarian cancer, familial, susceptibility to, 4. Last evaluated: 2021-04-13. Review status: criteria provided, single submitter. Criteria: Invitae Variant Classification Sherloc (09022015). Collection method: clinical testing. Allele origin: germline.
Comment: Experimental studies have shown that this variant affects RAD51D protein function (PMID: 16236763). In summary, the available evidence is currently insufficient to determine the role of this variant in disease. Therefore, it has been classified as a Variant of Uncertain Significance. Advanced modeling of protein sequence and biophysical properties (such as structural, functional, and spatial information, amino acid conservation, physicochemical variation, residue mobility, and thermodynamic stability) performed at Invitae indicates that this missense variant is expected to disrupt RAD51D protein function. This variant has not been reported in the literature in individuals with RAD51D-related conditions. ClinVar contains an entry for this variant (Variation ID: 234081). This variant is not present in population databases (ExAC no frequency). This sequence change replaces glycine with alanine at codon 112 of the RAD51D protein (p.Gly112Ala). The glycine residue is highly conserved and there is a small physicochemical difference between glycine and alanine.

Ambry Genetics
Classification: Likely pathogenic for Hereditary cancer-predisposing syndrome. Last evaluated: 2015-11-02. Review status: criteria provided, single submitter. Criteria: Ambry Variant Classification Scheme 2023. Collection method: clinical testing. Allele origin: germline.
Comment: The p.G112A variant (also known as c.335G>C), located in coding exon 4 of the RAD51D gene, results from a G to C substitution at nucleotide position 335. The glycine at codon 112 is replaced by alanine, an amino acid with similar properties. This alteration was shown to have reduced repair of DNA interstrand crosslinks and also reduced interactions with DNA repair binding partners RAD51C and XRCC2 (Gruver AM et al. Mutagenesis 2005 Nov; 20(6):433-40). In addition, internal structural analysis predicts that this alteration causes destabilization of a critical functional motif leading to loss or impairment of ATPase function (Walker J et al. EMBO J. 1982; 1(8):945-51). This amino acid position is highly conserved in available vertebrate species. In addition, this alteration is predicted to be probably damaging and deleterious by PolyPhen and SIFT in silico analyses, respectively. Based on the majority of available evidence to date, this variant is likely to be pathogenic.

Literature cited by the submitters: PubMed 16236763 (cited by Labcorp Genetics (formerly Invitae), Labcorp and Ambry Genetics); PubMed 6329717 (cited by Ambry Genetics).

NM_002878.4(RAD51D):c.335G>C (p.Gly112Ala)

Genes: RAD51L3-RFFL (RAD51L3-RFFL readthrough; minus strand), RAD51D (RAD51 paralog D; minus strand). Cytogenetic location: 17q12.
Variant type: single nucleotide variant.
Coding change: c.335G>C on transcript NM_002878.4 (MANE Select); coding-DNA position 335, G replaced by C.
Protein change: p.Gly112Ala; replaces glycine 112 with alanine.
Molecular consequence: missense variant. On other transcripts: non-coding transcript variant (2), intron variant (1).
Genome position (GRCh38, 1-based): chr17:35,107,376, C>G on the plus strand (G>C on the coding strand, the complement: RAD51D is on the minus strand). VCF-style: chr17-35107376-C-G. GRCh37 (hg19) VCF-style: chr17-33434395-C-G.
Other names: c.395G>C, p.Gly132Ala (NM_001142571.2); c.145-895G>C (NM_133629.3); short protein forms G112A, G132A.
Identifiers: ClinVar variation 234081 (VCV000234081.13), dbSNP rs587782848, ClinGen allele CA10580465.